The following is an entry in ClinVar:

ClinVar aggregate classification (germline): Uncertain significance. Review status: criteria provided, multiple submitters, no conflicts (2 of 4 stars). 2 submissions from 2 submitters: Uncertain significance (2). Last evaluated 2025-10-23.

Conditions:
Hereditary cancer-predisposing syndrome. Also called: Hereditary Cancer Syndrome; Tumor predisposition; Hereditary neoplastic syndrome; Neoplastic Syndromes, Hereditary. Identifiers: Orphanet 140162, MedGen C0027672, MeSH D009386, MONDO:0015356.

Allele frequency attached by ClinVar (database versions not stated): gnomAD exomes 0.00002; ExAC 0.00007.
gnomAD v4.1: 2 of 1,575,488 alleles (0.00013%); highest among the groups gnomAD compares: East Asian, 0.0047%; no homozygotes.

Submissions (2):

Labcorp Genetics (formerly Invitae), Labcorp
Classification: Uncertain significance. Last evaluated: 2025-10-23. Review status: criteria provided, single submitter. Criteria: Invitae Variant Classification Sherloc (09022015). Collection method: clinical testing. Allele origin: germline.
Comment: This sequence change falls in intron 1 of the NTHL1 gene. It does not directly change the encoded amino acid sequence of the NTHL1 protein. It affects a nucleotide within the consensus splice site. The frequency data for this variant in the population databases is considered unreliable, as metrics indicate poor data quality at this position in the gnomAD database. This variant has not been reported in the literature in individuals affected with NTHL1-related conditions. ClinVar contains an entry for this variant (Variation ID: 1418431). Variants that disrupt the consensus splice site are a relatively common cause of aberrant splicing (PMID: 17576681, 9536098). RNA analysis provides insufficient evidence to determine the effect of this variant on NTHL1 splicing (internal data). In summary, the available evidence is currently insufficient to determine the role of this variant in disease. Therefore, it has been classified as a Variant of Uncertain Significance.

Ambry Genetics
Classification: Uncertain significance for Hereditary cancer-predisposing syndrome. Last evaluated: 2024-02-27. Review status: criteria provided, single submitter. Criteria: Ambry Variant Classification Scheme 2023. Collection method: clinical testing. Allele origin: germline.
Comment: The c.139+4G>T intronic variant results from a G to T substitution 4 nucleotides after coding exon 1 in the NTHL1 gene. This nucleotide position is well conserved in available vertebrate species. In silico splice site analysis predicts that this alteration will not have any significant effect on splicing. Based on the available evidence, the clinical significance of this alteration remains unclear.

Literature cited by the submitters: PubMed 17576681 (cited by Labcorp Genetics (formerly Invitae), Labcorp); PubMed 9536098 (cited by Labcorp Genetics (formerly Invitae), Labcorp).

NM_002528.7(NTHL1):c.115+4G>T

Gene: NTHL1 (nth like DNA glycosylase 1; minus strand). Cytogenetic location: 16p13.3.
Variant type: single nucleotide variant.
Coding change: c.115+4G>T on transcript NM_002528.7 (MANE Select); 4 bases into the intron after coding-DNA position 115, G replaced by T.
Molecular consequence: intron variant.
Genome position (GRCh38, 1-based): chr16:2,047,705, C>A on the plus strand (G>T on the coding strand, the complement: NTHL1 is on the minus strand). VCF-style: chr16-2047705-C-A. GRCh37 (hg19) VCF-style: chr16-2097706-C-A.
Other names: c.-64+4G>T (NM_001318194.2); c.115+4G>T (NM_001318193.2); c.139+4G>T (NM_002528.5).
Identifiers: ClinVar variation 1418431 (VCV001418431.7), dbSNP rs780886475, ClinGen allele CA027555.